The following is an entry in ClinVar:

NM_005154.5(USP8):c.1516A>C (p.Lys506Gln)

Gene: USP8 (ubiquitin specific peptidase 8; plus strand). Cytogenetic location: 15q21.2.
Variant type: single nucleotide variant.
Coding change: c.1516A>C on transcript NM_005154.5 (MANE Select); coding-DNA position 1516, A replaced by C.
Protein change: p.Lys506Gln; replaces lysine 506 with glutamine.
Molecular consequence: missense variant.
Genome position (GRCh38, 1-based): chr15:50,481,778, A>C. VCF-style: chr15-50481778-A-C. GRCh37 (hg19) VCF-style: chr15-50773975-A-C.
Other names: c.1516A>C, p.Lys506Gln (NM_001128610.3); c.1285A>C, p.Lys429Gln (NM_001283049.2); short protein forms K429Q, K506Q.
Identifiers: ClinVar variation 702871 (VCV000702871.31), dbSNP rs113169913, ClinGen allele CA7555731.

ClinVar aggregate classification (germline): Benign. Review status: criteria provided, multiple submitters, no conflicts (2 of 4 stars). 2 submissions from 2 submitters: Benign (2). Last evaluated 2025-11-27.

Conditions:
Hereditary spastic paraplegia. Also called: Familial spastic paraparesis. Identifiers: Orphanet 685, MedGen C0037773, MONDO:0019064. Disease mechanism: loss of function.

Allele frequency attached by ClinVar (database versions not stated): gnomAD exomes 0.00027 and 0.00094; ExAC 0.00166; 1000 Genomes Project 30x 0.00250; 1000 Genomes Project 0.00300; gnomAD 0.00337 and 0.00368; TOPMed 0.00390; ESP Exome Variant Server 0.00410.
gnomAD v4.1: 909 of 1,559,132 alleles (0.058%); highest among the groups gnomAD compares: African/African-American, 1.2%; 6 homozygotes.

Submissions (2):

Labcorp Genetics (formerly Invitae), Labcorp
Classification: Benign for Hereditary spastic paraplegia. Last evaluated: 2025-11-27. Review status: criteria provided, single submitter. Criteria: Invitae Variant Classification Sherloc (09022015). Collection method: clinical testing. Allele origin: germline.

CeGaT Center for Human Genetics Tuebingen
Classification: Benign. Last evaluated: 2023-11-01. Review status: criteria provided, single submitter. Criteria: CeGaT Center For Human Genetics Tuebingen Variant Classification Criteria Version 2. Collection method: clinical testing. Allele origin: germline. Affected: yes. Observed: 1 variant allele.
Comment: USP8: BP4, BS1, BS2